The following is an entry in ClinVar:

NM_001199267.2(DGKZ):c.162-815C>T

Gene: DGKZ (diacylglycerol kinase zeta; plus strand). Cytogenetic location: 11p11.2.
Variant type: single nucleotide variant.
Coding change: c.162-815C>T on transcript NM_001199267.2 (MANE Select); 815 bases into the intron before coding-DNA position 162, C replaced by T.
Molecular consequence: intron variant. On other transcripts: missense variant (1).
Genome position (GRCh38, 1-based): chr11:46,366,476, C>T. VCF-style: chr11-46366476-C-T. GRCh37 (hg19) VCF-style: chr11-46388026-C-T.
Other names: c.220C>T, p.Arg74Cys (NM_001105540.2); c.213-815C>T (NM_201532.3); c.177-815C>T (NM_201533.3); c.162-815C>T (NM_001199266.2, NM_003646.4, NM_001199268.2); short protein forms R74C.
Identifiers: ClinVar variation 2054228 (VCV002054228.6), dbSNP rs756117673, ClinGen allele CA5962109.

ClinVar aggregate classification (germline): Uncertain significance. Review status: criteria provided, multiple submitters, no conflicts (2 of 4 stars). 2 submissions from 2 submitters: Uncertain significance (2). Last evaluated 2025-06-12.

Allele frequency attached by ClinVar (database versions not stated): TOPMed 0.00017; gnomAD 0.00012; ExAC 0.00014.
gnomAD v4.1: 364 of 1,568,410 alleles (0.023%); highest among the groups gnomAD compares: Admixed American, 0.032%; no homozygotes.

Submissions (2):

Labcorp Genetics (formerly Invitae), Labcorp
Classification: Uncertain significance. Last evaluated: 2025-06-12. Review status: criteria provided, single submitter. Criteria: Invitae Variant Classification Sherloc (09022015). Collection method: clinical testing. Allele origin: germline.
Comment: This sequence change replaces arginine, which is basic and polar, with cysteine, which is neutral and slightly polar, at codon 74 of the DGKZ protein (p.Arg74Cys). This variant is present in population databases (rs756117673, gnomAD 0.04%). This variant has not been reported in the literature in individuals affected with DGKZ-related conditions. ClinVar contains an entry for this variant (Variation ID: 2054228). An algorithm developed to predict the effect of missense changes on protein structure and function (PolyPhen-2) suggests that this variant is likely to be disruptive. In summary, the available evidence is currently insufficient to determine the role of this variant in disease. Therefore, it has been classified as a Variant of Uncertain Significance.

Ambry Genetics
Classification: Uncertain significance. Last evaluated: 2024-07-16. Review status: criteria provided, single submitter. Criteria: Ambry Variant Classification Scheme 2023. Collection method: clinical testing. Allele origin: germline.